The following is an entry in ClinVar:

ClinVar aggregate classification (germline): Uncertain significance (1 of 4 stars; one submission).

Allele frequency attached by ClinVar (database versions not stated): gnomAD exomes below 0.00001.
gnomAD v4.1: 1 of 1,614,124 alleles (0.000062%); highest among the groups gnomAD compares: Non-Finnish European, 0.000085%; no homozygotes.

Submission:

Labcorp Genetics (formerly Invitae), Labcorp
Classification: Uncertain significance. Last evaluated: 2023-08-17. Review status: criteria provided, single submitter. Criteria: Invitae Variant Classification Sherloc (09022015). Collection method: clinical testing. Allele origin: germline.
Comment: This sequence change replaces serine, which is neutral and polar, with phenylalanine, which is neutral and non-polar, at codon 1525 of the ARID1B protein (p.Ser1525Phe). This variant is not present in population databases (gnomAD no frequency). This variant has not been reported in the literature in individuals affected with ARID1B-related conditions. ClinVar contains an entry for this variant (Variation ID: 1964855). Advanced modeling of protein sequence and biophysical properties (such as structural, functional, and spatial information, amino acid conservation, physicochemical variation, residue mobility, and thermodynamic stability) has been performed at Invitae for this missense variant, however the output from this modeling did not meet the statistical confidence thresholds required to predict the impact of this variant on ARID1B protein function. In summary, the available evidence is currently insufficient to determine the role of this variant in disease. Therefore, it has been classified as a Variant of Uncertain Significance.

NM_001374828.1(ARID1B):c.4943C>T (p.Ser1648Phe)

Gene: ARID1B (AT-rich interaction domain 1B; plus strand). Cytogenetic location: 6q25.3.
Variant type: single nucleotide variant.
Coding change: c.4943C>T on transcript NM_001374828.1 (MANE Select); coding-DNA position 4943, C replaced by T.
Protein change: p.Ser1648Phe; replaces serine 1648 with phenylalanine.
Molecular consequence: missense variant.
Genome position (GRCh38, 1-based): chr6:157,201,168, C>T. VCF-style: chr6-157201168-C-T. GRCh37 (hg19) VCF-style: chr6-157522302-C-T.
Other names: c.4694C>T, p.Ser1565Phe (NM_001346813.1); c.2444C>T, p.Ser815Phe (NM_001363725.2); c.4823C>T, p.Ser1608Phe (NM_001371656.1, NM_001374820.1); c.4784C>T, p.Ser1595Phe (NM_017519.3); c.4574C>T, p.Ser1525Phe (NM_020732.3); c.4361C>T, p.Ser1454Phe (NM_175863.2); short protein forms S1454F, S1595F, S1565F, S1648F, S815F, S1525F, S1608F.
Identifiers: ClinVar variation 1964855 (VCV001964855.5), dbSNP rs2128375027, ClinGen allele CA366242160.